The following is an entry in ClinVar:

NM_006445.4(PRPF8):c.867-5C>G

Gene: PRPF8 (pre-mRNA processing factor 8; minus strand). Cytogenetic location: 17p13.3.
Variant type: single nucleotide variant.
Coding change: c.867-5C>G on transcript NM_006445.4 (MANE Select); 5 bases into the intron before coding-DNA position 867, C replaced by G.
Molecular consequence: intron variant.
Genome position (GRCh38, 1-based): chr17:1,681,059, G>C on the plus strand (C>G on the coding strand, the complement: PRPF8 is on the minus strand). VCF-style: chr17-1681059-G-C. GRCh37 (hg19) VCF-style: chr17-1584353-G-C.
Identifiers: ClinVar variation 2996346 (VCV002996346.3), dbSNP rs538689803, ClinGen allele CA8272518.

ClinVar aggregate classification (germline): Uncertain significance (1 of 4 stars; one submission).

Allele frequency attached by ClinVar (database versions not stated): gnomAD 0.00001; 1000 Genomes Project 0.00020; 1000 Genomes Project 30x 0.00031.
gnomAD v4.1: 1 of 1,613,076 alleles (0.000062%); highest among the groups gnomAD compares: East Asian, 0.0022%; no homozygotes.

Submission:

Labcorp Genetics (formerly Invitae), Labcorp
Classification: Uncertain significance. Last evaluated: 2022-12-03. Review status: criteria provided, single submitter. Criteria: Invitae Variant Classification Sherloc (09022015). Collection method: clinical testing. Allele origin: germline.
Comment: In summary, the available evidence is currently insufficient to determine the role of this variant in disease. Therefore, it has been classified as a Variant of Uncertain Significance. Algorithms developed to predict the effect of sequence changes on RNA splicing suggest that this variant may create or strengthen a splice site. This variant has not been reported in the literature in individuals affected with PRPF8-related conditions. This variant is present in population databases (rs538689803, gnomAD 0.006%). This sequence change falls in intron 6 of the PRPF8 gene. It does not directly change the encoded amino acid sequence of the PRPF8 protein.